The following is an entry in ClinVar:

NM_001042492.3(NF1):c.696A>G (p.Thr232=)

Gene: NF1 (neurofibromin 1; plus strand). Cytogenetic location: 17q11.2.
Variant type: single nucleotide variant.
Coding change: c.696A>G on transcript NM_001042492.3 (MANE Select); coding-DNA position 696, A replaced by G.
Protein change: p.Thr232=; no amino-acid change (threonine 232 retained).
Molecular consequence: synonymous variant.
Genome position (GRCh38, 1-based): chr17:31,181,751, A>G. VCF-style: chr17-31181751-A-G. GRCh37 (hg19) VCF-style: chr17-29508769-A-G.
Other names: c.696A>G, p.Thr232= (NM_000267.4, NM_001128147.3).
Identifiers: ClinVar variation 184279 (VCV000184279.54), dbSNP rs368691517, ClinGen allele CA188466.

ClinVar aggregate classification (germline): Benign/Likely benign. Review status: criteria provided, multiple submitters, no conflicts (2 of 4 stars). 12 submissions from 12 submitters: Benign (2); Likely benign (10). Last evaluated 2026-05-14.

Conditions:
Hereditary cancer-predisposing syndrome. Also called: Tumor predisposition; Neoplastic Syndromes, Hereditary; Hereditary Cancer Syndrome; Hereditary neoplastic syndrome. Identifiers: Orphanet 140162, MedGen C0027672, MeSH D009386, MONDO:0015356.
Neurofibromatosis, type 1 (NF1). Also called: Peripheral type neurofibromatosis; Neurofibromatosis, type I; NEUROFIBROMATOSIS, TYPE I, SOMATIC; VON RECKLINGHAUSEN DISEASE. Identifiers: Orphanet 636, MedGen C0027831, MONDO:0018975, OMIM 162200. Disease mechanism: loss of function.

Allele frequency attached by ClinVar (database versions not stated): gnomAD 0.00003; gnomAD exomes 0.00006 and 0.00007; ExAC 0.00007; ESP Exome Variant Server 0.00008; TOPMed 0.00008.
gnomAD v4.1: 110 of 1,611,116 alleles (0.0068%); highest among the groups gnomAD compares: Middle Eastern, 0.066%; no homozygotes.

Submissions (12):

Myriad Genetics, Inc.
Classification: Benign for Neurofibromatosis, type 1. Last evaluated: 2026-05-14. Review status: criteria provided, single submitter. Criteria: Myriad Autosomal Dominant, Autosomal Recessive and X-Linked Classification Criteria (2023). Collection method: clinical testing. Allele origin: unknown.
Comment: This variant is considered benign. This variant is a silent/synonymous amino acid change and it is not expected to impact splicing.

Labcorp Genetics (formerly Invitae), Labcorp
Classification: Likely benign for Neurofibromatosis, type 1. Last evaluated: 2026-02-01. Review status: criteria provided, single submitter. Criteria: Invitae Variant Classification Sherloc (09022015). Collection method: clinical testing. Allele origin: germline.

Molecular Diagnostics Laboratory, Catalan Institute of Oncology
Classification: Likely benign for Hereditary cancer-predisposing syndrome. Last evaluated: 2025-03-25. Review status: criteria provided, single submitter. Criteria: ACMG Guidelines, 2015. Collection method: clinical testing. Allele origin: germline.
Comment: BP4, BP7 c.696A>G, located in exon 7 of the NF1 gene, is predicted to result in no splicing alteration (according to SpliceAI) and no amino acid change, p.(Thr232=)(BP4, BP7).The variant allele was found in 12/236722 alleles, with a filter allele frequency of 0.005% at 99% confidence, within the European (non-Finnsih) population in the gnomAD v2.1.1 database (non-cancer data set). To our knowledge, well-stablished functional studies have not been reported for this variant. The variant has been reported in the ClinVar (8x likely benign, 1x benign) but has not been identified in the LOVD database. Based on currently available information, c.696A>G is classified as a likely benign variant according ACMG guidelines.

CeGaT Center for Human Genetics Tuebingen
Classification: Likely benign. Last evaluated: 2025-02-01. Review status: criteria provided, single submitter. Criteria: CeGaT Center For Human Genetics Tuebingen Variant Classification Criteria Version 2. Collection method: clinical testing. Allele origin: germline. Affected: yes. Observed: 2 variant alleles.
Comment: NF1: BP4, BS2

KCCC/NGS Laboratory, Kuwait Cancer Control Center
Classification: Benign for Neurofibromatosis, type 1. Last evaluated: 2025-02-01. Review status: criteria provided, single submitter. Criteria: ACMG Guidelines, 2015. Collection method: clinical testing. Allele origin: germline. Affected: no.

Institute for Biomarker Research, Medical Diagnostic Laboratories, L.L.C.
Classification: Likely benign for Hereditary cancer-predisposing syndrome. Last evaluated: 2025-01-20. Review status: criteria provided, single submitter. Criteria: ACMG Guidelines, 2015. Collection method: clinical testing. Allele origin: germline.
Comment: The synonymous variant NM_000267.3(NF1):c.696A>G (p.Thr232=) has been reported to ClinVar as Likely benign with a status of (2 stars) criteria provided, multiple submitters, no conflicts (Variation ID 184279 as of 2025-01-02). The p.Thr232= variant is not predicted to disrupt an existing splice site. For these reasons, this variant has been classified as Likely Benign.

Blueprint Genetics
Classification: Likely benign. Last evaluated: 2023-11-16. Review status: criteria provided, single submitter. Criteria: ACMG Guidelines, 2015. Collection method: clinical testing. Allele origin: germline.

Genome-Nilou Lab
Classification: Likely benign for Neurofibromatosis, type 1. Last evaluated: 2022-03-15. Review status: criteria provided, single submitter. Criteria: ACMG Guidelines, 2015. Collection method: clinical testing. Allele origin: germline. Affected: no.

Sema4
Classification: Likely benign for Hereditary cancer-predisposing syndrome. Last evaluated: 2020-12-07. Review status: criteria provided, single submitter. Criteria: Sema4 Curation Guidelines. Collection method: curation. Allele origin: germline.

GeneDx
Classification: Likely benign. Last evaluated: 2020-11-18. Review status: criteria provided, single submitter. Criteria: GeneDx Variant Classification Process June 2021. Collection method: clinical testing. Allele origin: germline. Affected: yes.

Women's Health and Genetics/Laboratory Corporation of America, LabCorp
Classification: Likely benign. Last evaluated: 2020-01-16. Review status: criteria provided, single submitter. Criteria: LabCorp Variant Classification Summary - May 2015. Collection method: clinical testing. Allele origin: germline.

Ambry Genetics
Classification: Likely benign for Hereditary cancer-predisposing syndrome. Last evaluated: 2014-10-06. Review status: criteria provided, single submitter. Criteria: Ambry Autosomal Dominant and X-Linked criteria (10/2015). Collection method: clinical testing. Allele origin: germline. Observed: 1 variant allele.

Literature cited by the submitters: PubMed 10678181 (cited by Women's Health and Genetics/Laboratory Corporation of America, LabCorp); PubMed 23460398 (cited by Women's Health and Genetics/Laboratory Corporation of America, LabCorp).